The following is an entry in ClinVar:

NM_000484.4(APP):c.1458+10G>A

Gene: APP (amyloid beta precursor protein; minus strand). Cytogenetic location: 21q21.3.
Variant type: single nucleotide variant.
Coding change: c.1458+10G>A on transcript NM_000484.4 (MANE Select); 10 bases into the intron after coding-DNA position 1458, G replaced by A.
Molecular consequence: intron variant.
Genome position (GRCh38, 1-based): chr21:25,975,060, C>T on the plus strand (G>A on the coding strand, the complement: APP is on the minus strand). VCF-style: chr21-25975060-C-T. GRCh37 (hg19) VCF-style: chr21-27347373-C-T.
Other names: p.?; c.1128+10G>A (NM_001136131.3); c.1065+10G>A (NM_001136129.3); c.1290+10G>A (NM_001136130.3, NM_001385253.1); c.1233+10G>A (NM_001204303.2, NM_201414.3); c.1401+10G>A (NM_001204302.2, NM_201413.3); c.1458+10G>A (NM_001204301.2); c.1386+10G>A (NM_001136016.3).
Identifiers: ClinVar variation 585429 (VCV000585429.18), dbSNP rs201290605, ClinGen allele CA9987319.

ClinVar aggregate classification (germline): Conflicting classifications of pathogenicity. Review status: criteria provided, conflicting classifications (1 of 4 stars). 4 submissions from 4 submitters: Uncertain significance (1); Benign (1); Likely benign (2). Last evaluated 2025-11-25.

Conditions:
Alzheimer disease. Also called: Alzheimer's disease; Presenile and senile dementia. Identifiers: Orphanet 1020, MedGen C0002395, MeSH D000544, MONDO:0004975, HP:0002511.

Allele frequency attached by ClinVar (database versions not stated): gnomAD 0.00003; TOPMed 0.00010; 1000 Genomes Project 30x 0.00016; gnomAD exomes 0.00017; ExAC 0.00018; 1000 Genomes Project 0.00020; ESP Exome Variant Server 0.00038.
gnomAD v4.1: 344 of 1,613,968 alleles (0.021%); highest among the groups gnomAD compares: Non-Finnish European, 0.024%; 1 homozygote.

Submissions (4):

Labcorp Genetics (formerly Invitae), Labcorp
Classification: Likely benign for Alzheimer disease. Last evaluated: 2025-11-25. Review status: criteria provided, single submitter. Criteria: Invitae Variant Classification Sherloc (09022015). Collection method: clinical testing. Allele origin: germline.

Mayo Clinic Laboratories, Mayo Clinic
Classification: Likely benign. Last evaluated: 2025-09-26. Review status: criteria provided, single submitter. Criteria: ACMG Guidelines, 2015. Collection method: clinical testing. Allele origin: germline. Observed: 1 variant allele.
Comment: BP4, BP7

Illumina Laboratory Services, Illumina
Classification: Uncertain significance for Alzheimer disease type 1. Last evaluated: 2018-01-12. Review status: criteria provided, single submitter. Criteria: ICSL Variant Classification Criteria 13 December 2019. Collection method: clinical testing. Allele origin: germline.

Athena Diagnostics
Classification: Benign. Last evaluated: 2017-12-29. Review status: criteria provided, single submitter. Criteria: Athena Diagnostics Criteria. Collection method: clinical testing. Allele origin: germline.